The following is an entry in ClinVar:

NM_024105.4(ALG12):c.930_931del (p.Arg311fs)

Gene: ALG12 (ALG12 alpha-1,6-mannosyltransferase; minus strand). Cytogenetic location: 22q13.33.
Variant type: Deletion.
Coding change: c.930_931del on transcript NM_024105.4 (MANE Select); coding-DNA positions 930 to 931, 2 bases deleted (AC; older notation c.930_931delAC).
Protein change: p.Arg311fs; shifts the reading frame from arginine 311.
Molecular consequence: frameshift variant.
Genome position (GRCh38, 1-based): chr22:49,907,782-49,907,783, GT deleted on the plus strand (AC on the coding strand, the reverse complement: ALG12 is on the minus strand). VCF-style (leftmost placement, unchanged base first): chr22-49907781-CGT-C. GRCh37 (hg19) VCF-style: chr22-50301429-CGT-C.
Other names: c.930_931delAC (NM_024105.4); short protein forms R311fs.
Identifiers: ClinVar variation 560937 (VCV000560937.4), dbSNP rs1569174722, ClinGen allele CA658824173.
Genomic context (GRCh38, chr22:49,907,781, plus strand): 5'-AGGTAGGAGCAGCCTCTGGCAGCCGTGATGTTGAGCATGGGGAAGGCATAGATGATGAAG[CGT>C]AGCTCCTTGTGTGGCAGGAGGGAGTAGAGTGCCATGAAGCCCAGTGCCAGCACCGTCGGC-3'

ClinVar aggregate classification (germline): Pathogenic. Review status: criteria provided, multiple submitters, no conflicts (2 of 4 stars). 3 submissions from 3 submitters: Pathogenic (3). Last evaluated 2025-03-09.

Conditions:
ALG12-congenital disorder of glycosylation (CDG1G). Also called: Congenital disorder of glycosylation, type Ig; ALG12-CDG; CDG Ig. Identifiers: Orphanet 79324, MedGen C2931001, MONDO:0011783, OMIM 607143.

Submissions (3):

Labcorp Genetics (formerly Invitae), Labcorp
Classification: Pathogenic for ALG12-congenital disorder of glycosylation. Last evaluated: 2025-03-09. Review status: criteria provided, single submitter. Criteria: Invitae Variant Classification Sherloc (09022015). Collection method: clinical testing. Allele origin: germline.
Comment: This sequence change creates a premature translational stop signal (p.Arg311Leufs*23) in the ALG12 gene. It is expected to result in an absent or disrupted protein product. Loss-of-function variants in ALG12 are known to be pathogenic (PMID: 15639192, 31481313). This variant is not present in population databases (gnomAD no frequency). This premature translational stop signal has been observed in individual(s) with multiple congenital anomalies (PMID: 33461977). ClinVar contains an entry for this variant (Variation ID: 560937). Algorithms developed to predict the effect of sequence changes on RNA splicing suggest that this variant may disrupt the consensus splice site. For these reasons, this variant has been classified as Pathogenic.

Daryl Scott Lab, Baylor College of Medicine
Classification: Pathogenic for ALG12-congenital disorder of glycosylation. Last evaluated: 2020-11-11. Review status: criteria provided, single submitter. Criteria: ACMG Guidelines, 2015. Collection method: clinical testing. Allele origin: maternal. Affected: yes. Observed: 1 variant allele, 1 compound heterozygote.

Baylor Genetics
Classification: Pathogenic for ALG12-congenital disorder of glycosylation. Last evaluated: 2017-09-01. Review status: criteria provided, single submitter. Criteria: ACMG Guidelines, 2015. Collection method: clinical testing. Allele origin: paternal. Inheritance: Autosomal recessive inheritance. Affected: yes.
Comment: This frameshift mutation is categorized as deleterious according to ACMG guidelines (PMID:18414213).

Literature cited by the submitters: PubMed 15639192 (cited by Labcorp Genetics (formerly Invitae), Labcorp); PubMed 31481313 (cited by Labcorp Genetics (formerly Invitae), Labcorp); PubMed 33461977 (cited by Labcorp Genetics (formerly Invitae), Labcorp and Daryl Scott Lab, Baylor College of Medicine); PubMed 25326635 (cited by Baylor Genetics).